The following is an entry in ClinVar:

ClinVar aggregate classification (germline): Likely benign (1 of 4 stars; one submission).

Conditions:
Familial cancer of breast. Also called: BREAST CANCER, FAMILIAL; Hereditary breast cancer; hereditary breast carcinoma. Identifiers: Orphanet 227535, MedGen C0346153, MONDO:0016419, OMIM 114480. Disease mechanism: loss of function.

Allele frequency attached by ClinVar (database versions not stated): gnomAD exomes below 0.00001.
gnomAD v4.1: 1 of 1,613,658 alleles (0.000062%); highest among the groups gnomAD compares: Non-Finnish European, 0.000085%; no homozygotes.

Submission:

Myriad Genetics, Inc.
Classification: Likely benign for Familial cancer of breast. Last evaluated: 2024-05-16. Review status: criteria provided, single submitter. Criteria: Myriad Autosomal Dominant, Autosomal Recessive and X-Linked Classification Criteria (2023). Collection method: clinical testing. Allele origin: unknown.
Comment: This variant is considered likely benign. This variant is intronic and is not expected to impact mRNA splicing.

NM_000051.4(ATM):c.3993+7C>T

Gene: ATM (ATM serine/threonine kinase; plus strand). Cytogenetic location: 11q22.3.
Variant type: single nucleotide variant.
Coding change: c.3993+7C>T on transcript NM_000051.4 (MANE Select); 7 bases into the intron after coding-DNA position 3993, C replaced by T.
Molecular consequence: intron variant.
Genome position (GRCh38, 1-based): chr11:108,284,480, C>T. VCF-style: chr11-108284480-C-T. GRCh37 (hg19) VCF-style: chr11-108155207-C-T.
Other names: c.3993+7C>T (NM_001351834.2).
Identifiers: ClinVar variation 3253753 (VCV003253753.1), dbSNP rs2546888338.
Genomic context (GRCh38, chr11:108,284,480, plus strand): 5'-ACTGCTACCAAGGTCTATGATATGCTTAAAAGTGAAAACTTATTGGGAAAACAGGTATGG[C>T]TTCAATTTTTATGTACTTTTCATTCCCTGAATGATATGAGATATAACCTTTAAGTTTTAA-3'